The following is an entry in ClinVar:

ClinVar aggregate classification (germline): Uncertain significance (1 of 4 stars; one submission).

Conditions:
Costello syndrome (CSTLO). Also called: FACIOCUTANEOSKELETAL SYNDROME; FCS SYNDROME; HRAS-Related Costello Syndrome. Identifiers: Orphanet 3071, MedGen C0587248, MONDO:0009026, OMIM 218040.

Submission:

Labcorp Genetics (formerly Invitae), Labcorp
Classification: Uncertain significance for Costello syndrome. Last evaluated: 2025-04-21. Review status: criteria provided, single submitter. Criteria: Invitae Variant Classification Sherloc (09022015). Collection method: clinical testing. Allele origin: germline.
Comment: This sequence change creates a premature translational stop signal (p.Val9Glyfs*39) in the HRAS gene. It is expected to result in an absent or disrupted protein product. However, the current clinical and genetic evidence is not sufficient to establish whether loss-of-function variants in HRAS cause disease. This variant is not present in population databases (gnomAD no frequency). This variant has not been reported in the literature in individuals affected with HRAS-related conditions. ClinVar contains an entry for this variant (Variation ID: 2172864). In summary, the available evidence is currently insufficient to determine the role of this variant in disease. Therefore, it has been classified as a Variant of Uncertain Significance.

NM_005343.4(HRAS):c.25dup (p.Val9fs)

Genes: HRAS (HRas proto-oncogene, GTPase; minus strand), LRRC56 (leucine rich repeat containing 56; plus strand). Cytogenetic location: 11p15.5.
Variant type: Duplication.
Coding change: c.25dup on transcript NM_005343.4 (MANE Select); coding-DNA position 25, one base duplicated (G; older notation c.25dupG).
Protein change: p.Val9fs; shifts the reading frame from valine 9.
Molecular consequence: frameshift variant. On other transcripts: 5 prime UTR variant (1).
Genome position (GRCh38, 1-based): chr11:534,298, C duplicated on the plus strand (G on the coding strand, the reverse complement: HRAS is on the minus strand); the first of 2 consecutive C bases (chr11:534,298-534,299); duplicating either gives the same sequence. VCF-style (leftmost placement, unchanged base first): chr11-534297-A-AC. GRCh37 (hg19) VCF-style: chr11-534297-A-AC.
Other names: c.25dup, p.Val9fs (NM_001130442.3, NM_176795.5); c.-295dup (NM_001318054.2); short protein forms V9fs.
Identifiers: ClinVar variation 2172864 (VCV002172864.4), dbSNP rs2539803060, ClinGen allele CA2580083854.